The following is an entry in ClinVar:

NM_001379200.1(TBX1):c.538C>A (p.Arg180=)

Gene: TBX1 (T-box transcription factor 1; plus strand). Cytogenetic location: 22q11.21.
Variant type: single nucleotide variant.
Coding change: c.538C>A on transcript NM_001379200.1 (MANE Select); coding-DNA position 538, C replaced by A.
Protein change: p.Arg180=; no amino-acid change (arginine 180 retained).
Molecular consequence: synonymous variant.
Genome position (GRCh38, 1-based): chr22:19,763,341, C>A. VCF-style: chr22-19763341-C-A. GRCh37 (hg19) VCF-style: chr22-19750864-C-A.
Other names: c.511C>A, p.Arg171= (NM_005992.1, NM_080646.2, NM_080647.1).
Identifiers: ClinVar variation 1047683 (VCV001047683.9), dbSNP rs746384751, ClinGen allele CA10102467.

ClinVar aggregate classification (germline): Conflicting classifications of pathogenicity. Review status: criteria provided, conflicting classifications (1 of 4 stars). 2 submissions from 2 submitters: Uncertain significance (1); Likely benign (1). Last evaluated 2025-08-03.

Conditions:
Cardiovascular phenotype. Identifiers: MedGen CN230736.
DiGeorge syndrome. Also called: Catch22; THIRD AND FOURTH PHARYNGEAL POUCH SYNDROME. Identifiers: Orphanet 567, MedGen C0012236, MONDO:0008564, OMIM 188400.

Allele frequency attached by ClinVar (database versions not stated): gnomAD exomes below 0.00001; ExAC 0.00002.

Submissions (2):

Ambry Genetics
Classification: Likely benign for Cardiovascular phenotype. Last evaluated: 2025-08-03. Review status: criteria provided, single submitter. Criteria: Ambry Variant Classification Scheme 2023. Collection method: clinical testing. Allele origin: germline.

Labcorp Genetics (formerly Invitae), Labcorp
Classification: Uncertain significance for DiGeorge syndrome. Last evaluated: 2020-04-08. Review status: criteria provided, single submitter. Criteria: Invitae Variant Classification Sherloc (09022015). Collection method: clinical testing. Allele origin: germline.
Comment: This sequence change affects codon 171 of the TBX1 mRNA. It is a 'silent' change, meaning that it does not change the encoded amino acid sequence of the TBX1 protein. This variant is present in population databases (rs746384751, ExAC 0.003%). This variant has not been reported in the literature in individuals with TBX1-related conditions. Algorithms developed to predict the effect of sequence changes on RNA splicing suggest that this variant is not likely to affect RNA splicing, but this prediction has not been confirmed by published transcriptional studies. In summary, the available evidence is currently insufficient to determine the role of this variant in disease. Therefore, it has been classified as a Variant of Uncertain Significance.